The following is an entry in ClinVar:

NM_000264.5(PTCH1):c.3740C>G (p.Ala1247Gly)

Gene: PTCH1 (patched 1; minus strand). Cytogenetic location: 9q22.32.
Variant type: single nucleotide variant.
Coding change: c.3740C>G on transcript NM_000264.5 (MANE Select); coding-DNA position 3740, C replaced by G.
Protein change: p.Ala1247Gly; replaces alanine 1247 with glycine.
Molecular consequence: missense variant. On other transcripts: non-coding transcript variant (1).
Genome position (GRCh38, 1-based): chr9:95,449,133, G>C on the plus strand (C>G on the coding strand, the complement: PTCH1 is on the minus strand). VCF-style: chr9-95449133-G-C. GRCh37 (hg19) VCF-style: chr9-98211415-G-C.
Other names: c.3542C>G, p.Ala1181Gly (NM_001083602.3); c.3737C>G, p.Ala1246Gly (NM_001083603.3); c.3287C>G, p.Ala1096Gly (NM_001083604.3, NM_001083605.3, NM_001083606.3 and 1 more transcripts); c.3584C>G, p.Ala1195Gly (NM_001354918.2); c.3740C>G (NM_000264.4); short protein forms A1195G, A1181G, A1096G, A1247G, A1246G.
Identifiers: ClinVar variation 857221 (VCV000857221.15), dbSNP rs1588516924, ClinGen allele CA374111029.
Genomic context (GRCh38, chr9:95,449,133, plus strand): 5'-GAGTGGGCGAAGACGGGGTTTTCTGTGGCTTCCACGATCACTTGGTGGGCAGGGCCTCCC[G>C]CGCCCTGCTGGGCCTCGTAGTGCCGAAGCTCCTCGCTGAGGCCTGACACTGTCGTCTGGG-3'
Protein context (NP_000255.2, residues 1237-1257): ELRHYEAQQG[Ala1247Gly]GGPAHQVIVE

ClinVar aggregate classification (germline): Uncertain significance. Review status: criteria provided, multiple submitters, no conflicts (2 of 4 stars). 4 submissions from 4 submitters: Uncertain significance (4). Last evaluated 2025-03-19.

Conditions:
Hereditary cancer-predisposing syndrome. Also called: Hereditary neoplastic syndrome; Tumor predisposition; Neoplastic Syndromes, Hereditary; Hereditary Cancer Syndrome. Identifiers: Orphanet 140162, MedGen C0027672, MeSH D009386, MONDO:0015356.
Gorlin syndrome. Also called: Nevoid Basal Cell Carcinoma Syndrome; Basal cell nevus syndrome. Identifiers: Orphanet 377, MedGen C0004779, MONDO:0007187.

Submissions (4):

Labcorp Genetics (formerly Invitae), Labcorp
Classification: Uncertain significance for Gorlin syndrome. Last evaluated: 2025-03-19. Review status: criteria provided, single submitter. Criteria: Invitae Variant Classification Sherloc (09022015). Collection method: clinical testing. Allele origin: germline.
Comment: This sequence change replaces alanine, which is neutral and non-polar, with glycine, which is neutral and non-polar, at codon 1247 of the PTCH1 protein (p.Ala1247Gly). This variant is not present in population databases (gnomAD no frequency). This variant has not been reported in the literature in individuals affected with PTCH1-related conditions. ClinVar contains an entry for this variant (Variation ID: 857221). Invitae Evidence Modeling of protein sequence and biophysical properties (such as structural, functional, and spatial information, amino acid conservation, physicochemical variation, residue mobility, and thermodynamic stability) indicates that this missense variant is not expected to disrupt PTCH1 protein function with a negative predictive value of 95%. In summary, the available evidence is currently insufficient to determine the role of this variant in disease. Therefore, it has been classified as a Variant of Uncertain Significance.

Ambry Genetics
Classification: Uncertain significance for Hereditary cancer-predisposing syndrome. Last evaluated: 2024-11-25. Review status: criteria provided, single submitter. Criteria: Ambry Variant Classification Scheme 2023. Collection method: clinical testing. Allele origin: germline.
Comment: The p.A1247G variant (also known as c.3740C>G), located in coding exon 22 of the PTCH1 gene, results from a C to G substitution at nucleotide position 3740. The alanine at codon 1247 is replaced by glycine, an amino acid with similar properties. This amino acid position is poorly conserved in available vertebrate species. In addition, this alteration is predicted to be tolerated by in silico analysis. Since supporting evidence is limited at this time, the clinical significance of this alteration remains unclear.

GeneDx
Classification: Uncertain significance. Last evaluated: 2023-02-28. Review status: criteria provided, single submitter. Criteria: GeneDx Variant Classification Process June 2021. Collection method: clinical testing. Allele origin: germline. Affected: yes.
Comment: Not observed at significant frequency in large population cohorts (gnomAD); In silico analysis supports that this missense variant does not alter protein structure/function; Has not been previously published as pathogenic or benign to our knowledge

Quest Diagnostics Nichols Institute San Juan Capistrano
Classification: Uncertain significance. Last evaluated: 2022-12-27. Review status: criteria provided, single submitter. Criteria: Quest Diagnostics criteria. Collection method: clinical testing. Allele origin: unknown.
Comment: The variant has not been reported in the published literature. It also has not been reported in large, multi-ethnic general populations. Analysis of this variant using bioinformatics tools for the prediction of the effect of amino acid changes on protein structure and function yielded predictions that this variant is benign. Based on the available information, we are unable to determine the clinical significance of this variant.